The following is an entry in ClinVar:

ClinVar aggregate classification (germline): Likely pathogenic. Review status: criteria provided, multiple submitters, no conflicts (2 of 4 stars). 2 submissions from 2 submitters: Likely pathogenic (2). Last evaluated 2026-01-15.

Conditions:
NR3C2-related disorder. Also called: NR3C2-related condition; NR3C2-related disorders.
Autosomal dominant pseudohypoaldosteronism type 1. Also called: Pseudohypoaldosteronism, Type I, Autosomal Dominant; PHA I, AUTOSOMAL DOMINANT; Pseudohypoaldosteronism, Type I, Dominant. Identifiers: Orphanet 171871, Orphanet 756, MedGen C1449842, MONDO:0008329, OMIM 177735.

Submissions (2):

Variantyx, Inc.
Classification: Likely pathogenic for Autosomal dominant pseudohypoaldosteronism type 1. Last evaluated: 2026-01-15. Review status: criteria provided, single submitter. Criteria: Variantyx Assertion Criteria 2022. Collection method: clinical testing. Allele origin: germline. Inheritance: Autosomal dominant inheritance. Affected: yes.
Comment: This is a nonsense variant in the NR3C2 gene (OMIM: 600983). Pathogenic variants in this gene have been associated with autosomal dominant pseudohypoaldosteronism type I. This variant introduces a premature termination codon in exon 2 out of 9 and is expected to result in loss of function, which is a known disease mechanism for NR3C2 in this disorder (PMID: 9662404, 16611713, 16972228) (PVS1). This variant is absent from control populations (PM2) and has not been reported in individuals with NR3C2-related disorders in the databases available for review. Based on the current evidence, this variant is classified as likely pathogenic for autosomal dominant pseudohypoaldosteronism type I.

Blueprint Genetics
Classification: Likely pathogenic for NR3C2-related disorders. Last evaluated: 2019-12-04. Review status: criteria provided, single submitter. Criteria: ACMG Guidelines, 2015. Collection method: clinical testing. Allele origin: germline. Affected: yes. Observed: 1 variant allele.

Literature cited by the submitters: PubMed 9662404 (cited by Variantyx, Inc.); PubMed 16611713 (cited by Variantyx, Inc.); PubMed 16972228 (cited by Variantyx, Inc.).

NM_000901.5(NR3C2):c.373C>T (p.Gln125Ter)

Gene: NR3C2 (nuclear receptor subfamily 3 group C member 2; minus strand). Cytogenetic location: 4q31.23.
Variant type: single nucleotide variant.
Coding change: c.373C>T on transcript NM_000901.5 (MANE Select); coding-DNA position 373, C replaced by T.
Protein change: p.Gln125Ter; replaces glutamine 125 with a stop codon.
Molecular consequence: nonsense. On other transcripts: non-coding transcript variant (1).
Genome position (GRCh38, 1-based): chr4:148,436,488, G>A on the plus strand (C>T on the coding strand, the complement: NR3C2 is on the minus strand). VCF-style: chr4-148436488-G-A. GRCh37 (hg19) VCF-style: chr4-149357640-G-A.
Other names: c.373C>T, p.Gln125Ter (NM_001166104.2, NM_001354819.1, NM_001437654.1 and 4 more transcripts); short protein forms Q125*.
Identifiers: ClinVar variation 4813759 (VCV004813759.2).
Genomic context (GRCh38, chr4:148,436,488, plus strand): 5'-TGTAAAATTTCACCAGCTGTTCAACATTCTGATAAATCTTAGCTGGACTCATGCTTCCTT[G>A]TTGGTTCTGCTGCTCATAGGAATAGTCAGCATCTCTTACAGAATCCATATATAAACCCAT-3'